The following is an entry in ClinVar:

ClinVar aggregate classification (germline): Uncertain significance (1 of 4 stars; one submission).

Conditions:
RASopathy. Also called: Noonan spectrum disorder; rasopathies. Identifiers: Orphanet 536391, MedGen C5555857, MONDO:0021060.

Allele frequency attached by ClinVar (database versions not stated): gnomAD 0.00001.
gnomAD v4.1: 1 of 1,607,116 alleles (0.000062%); highest among the groups gnomAD compares: African/African-American, 0.0013%; no homozygotes.

Submission:

Labcorp Genetics (formerly Invitae), Labcorp
Classification: Uncertain significance for RASopathy. Last evaluated: 2023-09-29. Review status: criteria provided, single submitter. Criteria: Invitae Variant Classification Sherloc (09022015). Collection method: clinical testing. Allele origin: germline.
Comment: In summary, the available evidence is currently insufficient to determine the role of this variant in disease. Therefore, it has been classified as a Variant of Uncertain Significance. Advanced modeling of protein sequence and biophysical properties (such as structural, functional, and spatial information, amino acid conservation, physicochemical variation, residue mobility, and thermodynamic stability) performed at Invitae indicates that this missense variant is not expected to disrupt BRAF protein function. This variant has not been reported in the literature in individuals affected with BRAF-related conditions. This variant is present in population databases (no rsID available, gnomAD no frequency). This sequence change replaces proline, which is neutral and non-polar, with leucine, which is neutral and non-polar, at codon 170 of the BRAF protein (p.Pro170Leu).

NM_004333.6(BRAF):c.509C>T (p.Pro170Leu)

Gene: BRAF (B-Raf proto-oncogene, serine/threonine kinase; minus strand). Cytogenetic location: 7q34.
Variant type: single nucleotide variant.
Coding change: c.509C>T on transcript NM_004333.6 (MANE Select); coding-DNA position 509, C replaced by T.
Protein change: p.Pro170Leu; replaces proline 170 with leucine.
Molecular consequence: missense variant.
Genome position (GRCh38, 1-based): chr7:140,808,991, G>A on the plus strand (C>T on the coding strand, the complement: BRAF is on the minus strand). VCF-style: chr7-140808991-G-A. GRCh37 (hg19) VCF-style: chr7-140508791-G-A.
Other names: c.509C>T, p.Pro170Leu (NM_001354609.2, NM_001374244.1, NM_001374258.1 and 5 more transcripts); c.407C>T, p.Pro136Leu (NM_001378470.1); c.353C>T, p.Pro118Leu (NM_001378472.1, NM_001378473.1); c.245C>T, p.Pro82Leu (NM_001378475.1); short protein forms P136L, P170L, P118L, P82L.
Identifiers: ClinVar variation 2817914 (VCV002817914.3), dbSNP rs1409723450, ClinGen allele CA369591959.